The following is an entry in ClinVar:

ClinVar aggregate classification (germline): Uncertain significance (1 of 4 stars; one submission).

gnomAD v4.1: 7 of 1,613,932 alleles (0.00043%); highest among the groups gnomAD compares: Non-Finnish European, 0.00059%; no homozygotes.

Submission:

Labcorp Genetics (formerly Invitae), Labcorp
Classification: Uncertain significance. Last evaluated: 2025-10-04. Review status: criteria provided, single submitter. Criteria: Invitae Variant Classification Sherloc (09022015). Collection method: clinical testing. Allele origin: germline.
Comment: This sequence change replaces alanine, which is neutral and non-polar, with aspartic acid, which is acidic and polar, at codon 46 of the KIAA1161 protein (p.Ala46Asp). This variant is present in population databases (rs372773584, gnomAD 0.0009%). This variant has not been reported in the literature in individuals affected with KIAA1161-related conditions. Experimental studies and prediction algorithms are not available or were not evaluated, and the functional significance of this variant is currently unknown. In summary, the available evidence is currently insufficient to determine the role of this variant in disease. Therefore, it has been classified as a Variant of Uncertain Significance.

NM_020702.5(MYORG):c.137C>A (p.Ala46Asp)

Gene: MYORG (myogenesis regulating glycosidase; minus strand). Cytogenetic location: 9p13.3.
Variant type: single nucleotide variant.
Coding change: c.137C>A on transcript NM_020702.5 (MANE Select); coding-DNA position 137, C replaced by A.
Protein change: p.Ala46Asp; replaces alanine 46 with aspartic acid.
Molecular consequence: missense variant.
Genome position (GRCh38, 1-based): chr9:34,372,807, G>T on the plus strand (C>A on the coding strand, the complement: MYORG is on the minus strand). VCF-style: chr9-34372807-G-T. GRCh37 (hg19) VCF-style: chr9-34372805-G-T.
Other names: short protein forms A46D.
Identifiers: ClinVar variation 4693375 (VCV004693375.1).